The following is an entry in ClinVar:

NM_001349338.3(FOXP1):c.1723-6_1723-3dup

Gene: FOXP1 (forkhead box P1; minus strand). Cytogenetic location: 3p13.
Variant type: Duplication.
Coding change: c.1723-6_1723-3dup on transcript NM_001349338.3 (MANE Select); 6 bases into the intron before coding-DNA position 1723 through 3 bases into the intron before coding-DNA position 1723, 4 bases duplicated (TGAC; older notation c.1723-6_1723-3dupTGAC).
Molecular consequence: intron variant.
Genome position (GRCh38, 1-based): chr3:70,966,059-70,966,062, GTCA duplicated on the plus strand (TGAC on the coding strand, the reverse complement: FOXP1 is on the minus strand). VCF-style (leftmost placement, unchanged base first): chr3-70966058-T-TGTCA. GRCh37 (hg19) VCF-style: chr3-71015209-T-TGTCA.
Other names: c.1771-6_1771-3dup (NM_001244810.2); c.1723-6_1723-3dup (NM_032682.6, NM_001349340.3, NM_001244816.2 and 1 more transcripts); c.1720-6_1720-3dup (NM_001349341.3, NM_001244808.3); c.1495-6_1495-3dup (NM_001244812.3); c.1420-6_1420-3dup (NM_001349343.3, NM_001349337.2, NM_001370548.1 and 1 more transcripts); c.1423-6_1423-3dup (NM_001349342.3, NM_001244815.2, NM_001244813.3).
Identifiers: ClinVar variation 3900475 (VCV003900475.1).

ClinVar aggregate classification (germline): Uncertain significance (1 of 4 stars; one submission).

Submission:

GeneDx
Classification: Uncertain significance. Last evaluated: 2024-11-26. Review status: criteria provided, single submitter. Criteria: GeneDx Variant Classification Process June 2021. Collection method: clinical testing. Allele origin: germline. Affected: yes.
Comment: Not observed at significant frequency in large population cohorts (gnomAD); In silico analysis supports a deleterious effect on splicing; Has not been previously published as pathogenic or benign to our knowledge